The following is an entry in ClinVar:

ClinVar aggregate classification (germline): Uncertain significance. Review status: criteria provided, multiple submitters, no conflicts (2 of 4 stars). 3 submissions from 3 submitters: Uncertain significance (2). 1 of the submissions does not count toward it. Last evaluated 2018-01-13.

Conditions:
Erythrocyte AMP deaminase deficiency. Identifiers: Orphanet 45, MedGen C2752073, OMIM 612874, MONDO:0020734.
AMPD3-related disorder. Also called: AMPD3-related condition.

Allele frequency attached by ClinVar (database versions not stated): gnomAD exomes 0.00004 and 0.00013; 1000 Genomes Project 30x 0.00016; ExAC 0.00017; 1000 Genomes Project 0.00020; gnomAD 0.00054 and 0.00059; TOPMed 0.00058; ESP Exome Variant Server 0.00069.
gnomAD v4.1: 161 of 1,612,728 alleles (0.01%); highest among the groups gnomAD compares: African/African-American, 0.18%; no homozygotes.

Submissions (3):

Illumina Laboratory Services, Illumina
Classification: Uncertain significance for Erythrocyte AMP deaminase deficiency. Last evaluated: 2018-01-13. Review status: criteria provided, single submitter. Criteria: ICSL Variant Classification Criteria 13 December 2019. Collection method: clinical testing. Allele origin: germline.

Breakthrough Genomics
Classification: Uncertain significance. Review status: criteria provided, single submitter. Criteria: ACMG Guidelines, 2015. Collection method: not provided. Allele origin: germline. Inheritance: Autosomal recessive inheritance. Affected: yes.

PreventionGenetics, part of Exact Sciences
Classification: Likely benign for AMPD3-related condition. Last evaluated: 2019-10-28. Review status: no assertion criteria provided. Collection method: clinical testing. Allele origin: germline. Not counted in ClinVar's aggregate classification.
Comment: This variant is classified as likely benign based on ACMG/AMP sequence variant interpretation guidelines (Richards et al. 2015 PMID: 25741868, with internal and published modifications).

NM_001025389.2(AMPD3):c.1267-3C>T

Gene: AMPD3 (adenosine monophosphate deaminase 3; plus strand). Cytogenetic location: 11p15.4.
Variant type: single nucleotide variant.
Coding change: c.1267-3C>T on transcript NM_001025389.2 (MANE Select); 3 bases into the intron before coding-DNA position 1267, C replaced by T.
Molecular consequence: intron variant.
Genome position (GRCh38, 1-based): chr11:10,495,567, C>T. VCF-style: chr11-10495567-C-T. GRCh37 (hg19) VCF-style: chr11-10517114-C-T.
Other names: c.790-3C>T (NM_001172431.2); c.1294-3C>T (NM_000480.3); c.1288-3C>T (NM_001025390.2); c.1267-3C>T (NM_001172430.1).
Identifiers: ClinVar variation 302169 (VCV000302169.8), dbSNP rs369778695, ClinGen allele CA5882970.